The following is an entry in ClinVar:

NM_014489.4(PGAP2):c.773C>T (p.Ala258Val)

Gene: PGAP2 (post-GPI attachment to proteins 2; plus strand). Cytogenetic location: 11p15.4.
Variant type: single nucleotide variant.
Coding change: c.773C>T on transcript NM_014489.4 (MANE Select); coding-DNA position 773, C replaced by T.
Protein change: p.Ala258Val; replaces alanine 258 with valine.
Molecular consequence: missense variant. On other transcripts: synonymous variant (8), non-coding transcript variant (15).
Genome position (GRCh38, 1-based): chr11:3,825,084, C>T. VCF-style: chr11-3825084-C-T. GRCh37 (hg19) VCF-style: chr11-3846314-C-T.
Other names: c.578C>T, p.Ala193Val (NM_001145438.3, NM_001256239.2, NM_001346400.2); c.644C>T, p.Ala215Val (NM_001256235.2); c.773C>T, p.Ala258Val (NM_001256236.2); c.669C>T, p.Gly223= (NM_001256237.2, NM_001346404.1); c.663C>T, p.Gly221= (NM_001256238.2); c.590C>T, p.Ala197Val (NM_001256240.2, NM_001283038.2, NM_001346398.2 and 1 more transcripts); c.513C>T, p.Gly171= (NM_001283039.2); c.333C>T, p.Gly111= (NM_001283040.1); and 5 more; short protein forms A248V, A258V, A315V, A197V, A237V, A215V, A250V, A254V.
Identifiers: ClinVar variation 1937455 (VCV001937455.5), dbSNP rs1045801313, ClinGen allele CA216507633.

ClinVar aggregate classification (germline): Uncertain significance (1 of 4 stars; one submission).

Allele frequency attached by ClinVar (database versions not stated): gnomAD exomes below 0.00001; TOPMed below 0.00001.
gnomAD v4.1: 3 of 1,614,200 alleles (0.00019%); highest among the groups gnomAD compares: East Asian, 0.0022%; no homozygotes.

Submission:

Labcorp Genetics (formerly Invitae), Labcorp
Classification: Uncertain significance. Last evaluated: 2025-03-17. Review status: criteria provided, single submitter. Criteria: Invitae Variant Classification Sherloc (09022015). Collection method: clinical testing. Allele origin: germline.
Comment: This sequence change replaces alanine, which is neutral and non-polar, with valine, which is neutral and non-polar, at codon 197 of the PGAP2 protein (p.Ala197Val). This variant is not present in population databases (gnomAD no frequency). This variant has not been reported in the literature in individuals affected with PGAP2-related conditions. ClinVar contains an entry for this variant (Variation ID: 1937455). Invitae Evidence Modeling of protein sequence and biophysical properties (such as structural, functional, and spatial information, amino acid conservation, physicochemical variation, residue mobility, and thermodynamic stability) indicates that this missense variant is not expected to disrupt PGAP2 protein function with a negative predictive value of 80%. In summary, the available evidence is currently insufficient to determine the role of this variant in disease. Therefore, it has been classified as a Variant of Uncertain Significance.